The following is an entry in ClinVar:

NM_000059.4(BRCA2):c.8546del (p.Lys2849fs)

Gene: BRCA2 (BRCA2 DNA repair associated; plus strand). Cytogenetic location: 13q13.1.
Variant type: Deletion.
Coding change: c.8546del on transcript NM_000059.4 (MANE Select); coding-DNA position 8546, one base deleted (A; older notation c.8546delA).
Protein change: p.Lys2849fs; shifts the reading frame from lysine 2849.
Molecular consequence: frameshift variant.
Genome position (GRCh38, 1-based): chr13:32,371,014, A deleted; the last of 4 consecutive A bases (chr13:32,371,011-32,371,014); deleting any one gives the same sequence. VCF-style (leftmost placement, unchanged base first): chr13-32371010-GA-G. GRCh37 (hg19) VCF-style: chr13-32945147-GA-G.
Other names: 8774delA; c.8546delA (NM_000059.3).
Identifiers: ClinVar variation 52618 (VCV000052618.10), dbSNP rs397507991, ClinGen allele CA025704.

ClinVar aggregate classification (germline): Pathogenic. Review status: reviewed by expert panel (3 of 4 stars). 4 submissions from 4 submitters: Pathogenic (1). 3 of the submissions do not count toward it. Last evaluated 2016-10-18.

Conditions:
Hereditary cancer-predisposing syndrome. Also called: Neoplastic Syndromes, Hereditary; Tumor predisposition; Hereditary neoplastic syndrome; Hereditary Cancer Syndrome. Identifiers: Orphanet 140162, MedGen C0027672, MeSH D009386, MONDO:0015356.
Breast-ovarian cancer, familial, susceptibility to, 2 (BROVCA2). Also called: BRCA2 Hereditary Breast and Ovarian Cancer. Identifiers: Orphanet 145, MedGen C2675520, MONDO:0012933, OMIM 612555. Disease mechanism: loss of function.

Submissions (4):

Evidence-based Network for the Interpretation of Germline Mutant Alleles (ENIGMA)
Classification: Pathogenic for Breast-ovarian cancer, familial, susceptibility to, 2. Last evaluated: 2016-10-18. Review status: reviewed by expert panel. Criteria: ENIGMA BRCA1/2 Classification Criteria (2015). Collection method: curation. Allele origin: germline.
Comment: Variant allele predicted to encode a truncated non-functional protein.

Ambry Genetics
Classification: Pathogenic for Hereditary cancer-predisposing syndrome. Last evaluated: 2019-06-26. Review status: criteria provided, single submitter. Criteria: Ambry Variant Classification Scheme 2023. Collection method: clinical testing. Allele origin: germline. Not counted in ClinVar's aggregate classification.
Comment: The c.8546delA pathogenic mutation, located in coding exon 19 of the BRCA2 gene, results from a deletion of one nucleotide at nucleotide position 8546, causing a translational frameshift with a predicted alternate stop codon (p.K2849Rfs*14). This alteration is expected to result in loss of function by premature protein truncation or nonsense-mediated mRNA decay. As such, this alteration is interpreted as a disease-causing mutation.

GeneDx
Classification: Pathogenic. Last evaluated: 2016-12-12. Review status: criteria provided, single submitter. Criteria: GeneDx Variant Classification (06012015). Collection method: clinical testing. Allele origin: germline. Affected: yes. Not counted in ClinVar's aggregate classification.
Comment: This deletion of four nucleotides in BRCA2 is denoted c.8546delA at the cDNA level and p.Lys2849ArgfsX14 (K2849RfsX14) at the protein level. The normal sequence, with the bases that are deleted in brackets, is GAAA[delA]GGAA. The deletion causes a frameshift which changes a Lysine to an Arginine at codon 2849, and creates a premature stop codon at position 14 of the new reading frame. This variant is predicted to cause loss of normal protein function through either protein truncation or nonsense-mediated mRNA decay. BRCA2 c.8546delA, also reported as BRCA2 8774delA using alternate nomenclature, has been observed in association with familial breast cancer (Meindl 2002) and is considered pathogenic.

Consortium of Investigators of Modifiers of BRCA1/2 (CIMBA), c/o University of Cambridge
Classification: Pathogenic for Breast-ovarian cancer, familial, susceptibility to, 2. Last evaluated: 2015-10-02. Review status: criteria provided, single submitter. Criteria: CIMBA Mutation Classification guidelines May 2016. Collection method: clinical testing. Allele origin: germline. Not counted in ClinVar's aggregate classification.